The following is an entry in ClinVar:

NM_001130145.3(YAP1):c.1416A>G (p.Pro472=)

Gene: YAP1 (Yes1 associated transcriptional regulator; plus strand). Cytogenetic location: 11q22.1.
Variant type: single nucleotide variant.
Coding change: c.1416A>G on transcript NM_001130145.3 (MANE Select); coding-DNA position 1416, A replaced by G.
Protein change: p.Pro472=; no amino-acid change (proline 472 retained).
Molecular consequence: synonymous variant.
Genome position (GRCh38, 1-based): chr11:102,229,841, A>G. VCF-style: chr11-102229841-A-G. GRCh37 (hg19) VCF-style: chr11-102100572-A-G.
Other names: c.1368A>G, p.Pro456= (NM_001195044.2); c.882A>G, p.Pro294= (NM_001195045.2); c.1302A>G, p.Pro434= (NM_001282097.2); c.1266A>G, p.Pro422= (NM_001282098.2); c.1314A>G, p.Pro438= (NM_001282099.2); c.1380A>G, p.Pro460= (NM_001282100.2); c.1428A>G, p.Pro476= (NM_001282101.2); c.1254A>G, p.Pro418= (NM_006106.5).
Identifiers: ClinVar variation 2642317 (VCV002642317.24), dbSNP rs141269128, ClinGen allele CA6246517.

ClinVar aggregate classification (germline): Benign (1 of 4 stars; one submission).

Allele frequency attached by ClinVar (database versions not stated): gnomAD exomes 0.00003; ExAC 0.00014; 1000 Genomes Project 30x 0.00031; ESP Exome Variant Server 0.00031; 1000 Genomes Project 0.00040; gnomAD 0.00045; TOPMed 0.00048.
gnomAD v4.1: 119 of 1,614,146 alleles (0.0074%); highest among the groups gnomAD compares: African/African-American, 0.15%; no homozygotes.

Submission:

CeGaT Center for Human Genetics Tuebingen
Classification: Benign. Last evaluated: 2022-04-01. Review status: criteria provided, single submitter. Criteria: CeGaT Center For Human Genetics Tuebingen Variant Classification Criteria Version 2. Collection method: clinical testing. Allele origin: germline. Affected: yes. Observed: 1 variant allele.
Comment: YAP1: BS1, BS2